The following is an entry in ClinVar:

ClinVar aggregate classification (germline): Likely benign. Review status: criteria provided, single submitter (1 of 4 stars). 2 submissions from 1 submitter: Likely benign (2). Last evaluated 2018-01-13.

Conditions:
Breast-ovarian cancer, familial, susceptibility to, 2 (BROVCA2). Also called: BRCA2 Hereditary Breast and Ovarian Cancer. Identifiers: Orphanet 145, MedGen C2675520, MONDO:0012933, OMIM 612555. Disease mechanism: loss of function.
Fanconi anemia complementation group D1. Also called: BRCA2-Related Fanconi Anemia. Identifiers: Orphanet 319462, MedGen C1838457, MONDO:0011584, OMIM 605724.

Allele frequency attached by ClinVar (database versions not stated): gnomAD below 0.00001 and 0.00014; TOPMed 0.00002; 1000 Genomes Project 0.00060; 1000 Genomes Project 30x 0.00062; gnomAD exomes 0.00070.
gnomAD v4.1: 223 of 456,630 alleles (0.049%); highest among the groups gnomAD compares: South Asian, 0.58%; 4 homozygotes.

Submissions (2):

Illumina Laboratory Services, Illumina
Classification: Likely benign for Breast-ovarian cancer, familial, susceptibility to, 2. Last evaluated: 2018-01-13. Review status: criteria provided, single submitter. Criteria: ICSL Variant Classification Criteria 13 December 2019. Collection method: clinical testing. Allele origin: germline.
Comment: This variant was observed in the ICSL laboratory as part of a predisposition screen in an ostensibly healthy population. It had not been previously curated by ICSL or reported in the Human Gene Mutation Database (HGMD: prior to June 1st, 2018), and was therefore a candidate for classification through an automated scoring system. Utilizing variant allele frequency, disease prevalence and penetrance estimates, and inheritance mode, an automated score was calculated to assess if this variant is too frequent to cause the disease. Based on the score and internal cut-off values, a variant classified as likely benign is not then subjected to further curation. The score for this variant resulted in a classification of likely benign for this disease.

Illumina Laboratory Services, Illumina
Classification: Likely benign for Fanconi anemia complementation group D1. Last evaluated: 2018-01-13. Review status: criteria provided, single submitter. Criteria: ICSL Variant Classification Criteria 13 December 2019. Collection method: clinical testing. Allele origin: germline.
Comment: the same text as in the submission from Illumina Laboratory Services, Illumina above.

NM_000059.4(BRCA2):c.*248T>C

Gene: BRCA2 (BRCA2 DNA repair associated; plus strand). Cytogenetic location: 13q13.1.
Variant type: single nucleotide variant.
Coding change: c.*248T>C on transcript NM_000059.4 (MANE Select); 248 bases downstream of the stop codon, T replaced by C.
Molecular consequence: 3 prime UTR variant.
Genome position (GRCh38, 1-based): chr13:32,399,018, T>C. VCF-style: chr13-32399018-T-C. GRCh37 (hg19) VCF-style: chr13-32973155-T-C.
Identifiers: ClinVar variation 311665 (VCV000311665.5), dbSNP rs542356535, ClinGen allele CA10644143.